The following is an entry in ClinVar:

ClinVar aggregate classification (germline): Pathogenic (1 of 4 stars; one submission).

Conditions:
Sulfite oxidase deficiency due to molybdenum cofactor deficiency type C. Also called: Molybdenum cofactor deficiency, complementation group C; Molybdenum cofactor deficiency C. Identifiers: Orphanet 308400, Orphanet 833, MedGen C1854990, MONDO:0014212, OMIM 615501.

Submission:

Labcorp Genetics (formerly Invitae), Labcorp
Classification: Pathogenic for Sulfite oxidase deficiency due to molybdenum cofactor deficiency type C. Last evaluated: 2023-12-26. Review status: criteria provided, single submitter. Criteria: Invitae Variant Classification Sherloc (09022015). Collection method: clinical testing. Allele origin: germline.
Comment: This sequence change creates a premature translational stop signal (p.Ser426Ilefs*5) in the GPHN gene. It is expected to result in an absent or disrupted protein product. Loss-of-function variants in GPHN are known to be pathogenic (PMID: 11095995, 23184456, 23393157, 24561070, 26613940). This variant is not present in population databases (gnomAD no frequency). This variant has not been reported in the literature in individuals affected with GPHN-related conditions. For these reasons, this variant has been classified as Pathogenic.

Literature cited by the submitters: PubMed 11095995; PubMed 23184456; PubMed 23393157; PubMed 24561070; PubMed 26613940.

NM_020806.5(GPHN):c.1275dup (p.Ser426fs)

Gene: GPHN (gephyrin; plus strand). Cytogenetic location: 14q23.3.
Variant type: Duplication.
Coding change: c.1275dup on transcript NM_020806.5 (MANE Select); coding-DNA position 1275, one base duplicated (A; older notation c.1275dupA).
Protein change: p.Ser426fs; shifts the reading frame from serine 426.
Molecular consequence: frameshift variant.
Genome position (GRCh38, 1-based): chr14:67,100,893, A duplicated; the last of 2 consecutive A bases (chr14:67,100,892-67,100,893); duplicating either gives the same sequence. VCF-style (leftmost placement, unchanged base first): chr14-67100891-G-GA. GRCh37 (hg19) VCF-style: chr14-67567608-G-GA.
Other names: c.1176dup, p.Ser393fs (NM_001024218.2); c.1335dup, p.Ser446fs (NM_001377514.1); c.1305dup, p.Ser436fs (NM_001377515.1); c.1296dup, p.Ser433fs (NM_001377516.1); c.1248dup, p.Ser417fs (NM_001377517.1); c.1233dup, p.Ser412fs (NM_001377518.1); c.1215dup, p.Ser406fs (NM_001377519.1); short protein forms S417fs, S436fs, S446fs, S412fs, S426fs, S433fs, S393fs, S406fs.
Identifiers: ClinVar variation 2734795 (VCV002734795.3), dbSNP rs2543230821, ClinGen allele CA2625313385.
Genomic context (GRCh38, chr14:67,100,891, plus strand): 5'-TTCTTGGCTCTGTTCCATCTCACAGCTGCTGATGGCCCAGGAGATCGTTTCATCATTGGG[G>GA]AATCCCAAGCTGGTGAACAGGTGAGATTGATAGGCCTGAAAGGCACTGAAGATTTCAGCT-3'